The following is an entry in ClinVar:

GRCh37/hg19 10q24.31-24.32(chr10:102958930-103525401)x3

Genes: BTRC (beta-transducin repeat containing E3 ubiquitin protein ligase; plus strand), DPCD (deleted in primary ciliary dyskinesia homolog (mouse); plus strand), FBXW4 (F-box and WD repeat domain containing 4; minus strand), LBX1 (ladybird homeobox 1; minus strand), POLL (DNA polymerase lambda; minus strand). Cytogenetic location: 10q24.31-24.32.
Variant type: copy number gain.
Change: copy number 3 (three copies instead of two) of chr10:102,958,930-103,525,401 (566.5 kb, GRCh37 coordinates, 1-based), cytogenetic band 10q24.31-24.32.
Identifiers: ClinVar variation 2684618 (VCV002684618.1).

ClinVar aggregate classification (germline): Pathogenic (1 of 4 stars; one submission).

Submission:

Quest Diagnostics Nichols Institute San Juan Capistrano
Classification: Pathogenic. Last evaluated: 2022-12-06. Review status: criteria provided, single submitter. Criteria: ACMG/ClinGen CNV Guidelines, 2019. Collection method: clinical testing. Allele origin: unknown.
Comment: Copy number gains of 10q24.31q24.32 are associated with autosomal dominant split-hand/foot malformation 3 (OMIM 246560, Holder-Espinasse 2019). In addition, this region is found to contain a variety of regulatory elements including enhancers, promoters and multiple transcription factor-binding sites, which are specifically involved in human limb-development (Dai 2013). Thus, based on current medical literature and gene content, this copy number variant (CNV) is classified as pathogenic. References: Dai et al., BMC Med Genet. 2013 Apr 18;14:45. PMID: 23596994 Holder-Espinasse et al., Eur J Hum Genet. 2019 Apr;27(4):525-534. PMID: 30622331